The following is an entry in ClinVar:

ClinVar aggregate classification (germline): Uncertain significance (1 of 4 stars; one submission).

Allele frequency attached by ClinVar (database versions not stated): gnomAD exomes below 0.00001; gnomAD 0.00001; TOPMed 0.00002.

Submission:

CeGaT Center for Human Genetics Tuebingen
Classification: Uncertain significance. Last evaluated: 2023-07-01. Review status: criteria provided, single submitter. Criteria: CeGaT Center For Human Genetics Tuebingen Variant Classification Criteria Version 2. Collection method: clinical testing. Allele origin: germline. Affected: yes. Observed: 1 variant allele.
Comment: TDRD7: PM2, BP4

NM_014290.3(TDRD7):c.911A>G (p.Lys304Arg)

Gene: TDRD7 (tudor domain containing 7; plus strand). Cytogenetic location: 9q22.33.
Variant type: single nucleotide variant.
Coding change: c.911A>G on transcript NM_014290.3 (MANE Select); coding-DNA position 911, A replaced by G.
Protein change: p.Lys304Arg; replaces lysine 304 with arginine.
Molecular consequence: missense variant.
Genome position (GRCh38, 1-based): chr9:97,460,233, A>G. VCF-style: chr9-97460233-A-G. GRCh37 (hg19) VCF-style: chr9-100222515-A-G.
Other names: c.689A>G, p.Lys230Arg (NM_001302884.2); short protein forms K230R, K304R.
Identifiers: ClinVar variation 2579065 (VCV002579065.25), dbSNP rs1466116523, ClinGen allele CA374160272.